The following is an entry in ClinVar:

ClinVar aggregate classification (germline): Pathogenic/Likely pathogenic. Review status: criteria provided, multiple submitters, no conflicts (2 of 4 stars). 2 submissions from 2 submitters: Pathogenic (1); Likely pathogenic (1). Last evaluated 2025-09-16.

Conditions:
Retinitis pigmentosa 25 (RP25). Identifiers: Orphanet 791, MedGen C1864446, MONDO:0011272, OMIM 602772.

Allele frequency attached by ClinVar (database versions not stated): gnomAD exomes 0.00001.
gnomAD v4.1: 4 of 1,551,164 alleles (0.00026%); highest among the groups gnomAD compares: South Asian, 0.0012%; no homozygotes.

Submissions (2):

Natera, Inc.
Classification: Likely pathogenic for Retinitis pigmentosa type 25. Last evaluated: 2025-09-16. Review status: criteria provided, single submitter. Criteria: Natera Variant Classification Schema (03/2026). Collection method: clinical testing. Allele origin: germline.
Comment: The c.9177C>G variant in EYS is a nonsense variant predicted to introduce a stop codon at amino acid 3059. This variant is expected to result in nonsense mediated decay, truncation, or a dysfunctional protein product. This variant is rare in the general population with a frequency below the threshold expected for the associated phenotype(s). This variant has been found together with another disease-causing variant in the same copy of the gene (PMID: 20333770). Given the available evidence, this variant is classified as Likely Pathogenic.

Labcorp Genetics (formerly Invitae), Labcorp
Classification: Pathogenic. Last evaluated: 2022-03-09. Review status: criteria provided, single submitter. Criteria: Invitae Variant Classification Sherloc (09022015). Collection method: clinical testing. Allele origin: germline.
Comment: For these reasons, this variant has been classified as Pathogenic. This variant disrupts a region of the EYS protein in which other variant(s) (p.Tyr3135*) have been determined to be pathogenic (PMID: 18976725, 29159838, 30337596, 31074760). This suggests that this is a clinically significant region of the protein, and that variants that disrupt it are likely to be disease-causing. This premature translational stop signal has been observed in individual(s) with retinitis pigmentosa (PMID: 20333770). This variant is present in population databases (no rsID available, gnomAD 0.002%). This sequence change creates a premature translational stop signal (p.Tyr3059*) in the EYS gene. While this is not anticipated to result in nonsense mediated decay, it is expected to disrupt the last 86 amino acid(s) of the EYS protein.

Literature cited by the submitters: PubMed 20333770 (cited by Natera, Inc. and Labcorp Genetics (formerly Invitae), Labcorp); PubMed 18976725 (cited by Labcorp Genetics (formerly Invitae), Labcorp); PubMed 29159838 (cited by Labcorp Genetics (formerly Invitae), Labcorp); PubMed 30337596 (cited by Labcorp Genetics (formerly Invitae), Labcorp); PubMed 31074760 (cited by Labcorp Genetics (formerly Invitae), Labcorp).

NM_001142800.2(EYS):c.9177C>G (p.Tyr3059Ter)

Genes: EYS (EGF-like photoreceptor maintenance factor; minus strand), PHF3 (PHD finger protein 3; plus strand). Cytogenetic location: 6q12.
Variant type: single nucleotide variant.
Coding change: c.9177C>G on transcript NM_001142800.2 (MANE Select); coding-DNA position 9177, C replaced by G.
Protein change: p.Tyr3059Ter; replaces tyrosine 3059 with a stop codon.
Molecular consequence: nonsense. On other transcripts: 3 prime UTR variant (5).
Genome position (GRCh38, 1-based): chr6:63,720,854, G>C on the plus strand (C>G on the coding strand, the complement: EYS is on the minus strand). VCF-style: chr6-63720854-G-C. GRCh37 (hg19) VCF-style: chr6-64430750-G-C.
Other names: c.*7146G>C (NM_001290259.2, NM_001370348.2, NM_001370349.2 and 2 more transcripts); c.9240C>G, p.Tyr3080Ter (NM_001292009.2); c.9177C>G (NM_001142800.1); short protein forms Y3080*, Y3059*.
Identifiers: ClinVar variation 1458403 (VCV001458403.7), dbSNP rs1441845742, ClinGen allele CA364383078.